The following is an entry in ClinVar:

NM_005026.5(PIK3CD):c.2718+5dup

Gene: PIK3CD (phosphatidylinositol-4,5-bisphosphate 3-kinase catalytic subunit delta; plus strand). Cytogenetic location: 1p36.22.
Variant type: Duplication.
Coding change: c.2718+5dup on transcript NM_005026.5 (MANE Select); 5 bases into the intron after coding-DNA position 2718, one base duplicated (A; older notation c.2718+5dupA).
Molecular consequence: intron variant.
Genome position (GRCh38, 1-based): chr1:9,724,097, A duplicated. VCF-style (leftmost placement, unchanged base first): chr1-9724096-C-CA. GRCh37 (hg19) VCF-style: chr1-9784154-C-CA.
Other names: c.2715+5dup (NM_001350234.2); c.2631+5dup (NM_001350235.1).
Identifiers: ClinVar variation 2794415 (VCV002794415.3), dbSNP rs1263852824, ClinGen allele CA521452088.
Genomic context (GRCh38, chr1:9,724,096, plus strand): 5'-GTGCTGGGCATTGGCGATCGGCACAGCGACAACATCATGATCCGAGAGAGTGGGCAGGTA[C>CA]AGGGGCTGGTGCTGGCGGCTGCTGTGGGGACTTGGCTTCTGGCCCCAGCCTGCTGGCCCC-3'

ClinVar aggregate classification (germline): Uncertain significance (1 of 4 stars; one submission).

Conditions:
Immunodeficiency 14 (IMD14A). Also called: p110-DELTA-ACTIVATING MUTATION CAUSING SENESCENT T CELLS, LYMPHADENOPATHY, AND IMMUNODEFICIENCY; IMMUNODEFICIENCY 14A WITH LYMPHOPROLIFERATION, AUTOSOMAL DOMINANT; ACTIVATED PI3K-DELTA SYNDROME 1; Activated PI3K Delta Syndrome Type 1 (APDS1). Identifiers: Orphanet 397596, Orphanet 693661, MedGen C5907821, MONDO:0014222, OMIM 615513.

Allele frequency attached by ClinVar (database versions not stated): gnomAD exomes below 0.00001.

Submission:

Labcorp Genetics (formerly Invitae), Labcorp
Classification: Uncertain significance for Activated PI3K-delta syndrome. Last evaluated: 2024-09-28. Review status: criteria provided, single submitter. Criteria: Invitae Variant Classification Sherloc (09022015). Collection method: clinical testing. Allele origin: germline.
Comment: This sequence change falls in intron 21 of the PIK3CD gene. It does not directly change the encoded amino acid sequence of the PIK3CD protein. It affects a nucleotide within the consensus splice site. This variant is present in population databases (no rsID available, gnomAD 0.0009%). This variant has not been reported in the literature in individuals affected with PIK3CD-related conditions. Variants that disrupt the consensus splice site are a relatively common cause of aberrant splicing (PMID: 17576681, 9536098). Algorithms developed to predict the effect of sequence changes on RNA splicing suggest that this variant is not likely to affect RNA splicing. In summary, the available evidence is currently insufficient to determine the role of this variant in disease. Therefore, it has been classified as a Variant of Uncertain Significance.

Literature cited by the submitters: PubMed 17576681; PubMed 9536098.